The following is an entry in ClinVar:

ClinVar aggregate classification (germline): Uncertain significance (1 of 4 stars; one submission).

Conditions:
Maturity-onset diabetes of the young type 11. Identifiers: Orphanet 552, MedGen C3150618, MONDO:0013242, OMIM 613375.

Submission:

Juno Genomics, Hangzhou Juno Genomics, Inc
Classification: Uncertain significance for Maturity-onset diabetes of the young type 11. Review status: criteria provided, single submitter. Criteria: ACMG Guidelines, 2015. Collection method: clinical testing. Allele origin: germline.
Comment: Absent from controls (or at extremely low frequency if recessive) in Genome Aggregation Database.

NM_001715.3(BLK):c.800C>G (p.Ala267Gly)

Genes: BLK-AS1 (BLK antisense RNA 1), BLK (BLK proto-oncogene, Src family tyrosine kinase). Cytogenetic location: 8p23.1.
Variant type: single nucleotide variant.
Coding change: c.800C>G on transcript NM_001715.3 (MANE Select); coding-DNA position 800, C replaced by G.
Protein change: p.Ala267Gly; replaces alanine 267 with glycine.
Molecular consequence: missense variant.
Genome position (GRCh38, 1-based): chr8:11,556,685, C>G. VCF-style: chr8-11556685-C-G. GRCh37 (hg19) VCF-style: chr8-11414194-C-G.
Other names: c.587C>G, p.Ala196Gly (NM_001330465.2); short protein forms A196G, A267G.
Identifiers: ClinVar variation 5007264 (VCV005007264.2).